The following is an entry in ClinVar:

NM_002490.6(NDUFA6):c.309del (p.Met104fs)

Gene: NDUFA6 (NADH:ubiquinone oxidoreductase subunit A6; minus strand). Cytogenetic location: 22q13.2.
Variant type: Deletion.
Coding change: c.309del on transcript NM_002490.6 (MANE Select); coding-DNA position 309, one base deleted (T; older notation c.309delT).
Protein change: p.Met104fs; shifts the reading frame from methionine 104.
Molecular consequence: frameshift variant.
Genome position (GRCh38, 1-based): chr22:42,086,261, A deleted on the plus strand (T on the coding strand, the reverse complement: NDUFA6 is on the minus strand); the first of 2 consecutive A bases (chr22:42,086,261-42,086,262); deleting either gives the same sequence. VCF-style (leftmost placement, unchanged base first): chr22-42086260-TA-T. GRCh37 (hg19) VCF-style: chr22-42482264-TA-T.
Other names: c.387delT (NM_002490.4, NM_002490.3); short protein forms M104fs.
Identifiers: ClinVar variation 549665 (VCV000549665.8), dbSNP rs763006208, ClinGen allele CA10264327.
Genomic context (GRCh38, chr22:42,086,260, plus strand): 5'-CATAGAACTTGGATAGGAAATCCTTTGGCCTTGGCGCTTCTGTTTCATGGAAGAACCGCA[TA>T]ACATGTGTCCGCTGCTTCCATACTTTAATTGTTTCTTCCAGTTCGATCTTTCCCTGAACA-3'

ClinVar aggregate classification (germline): Likely pathogenic. Review status: criteria provided, multiple submitters, no conflicts (2 of 4 stars). 5 submissions from 5 submitters: Likely pathogenic (2). 3 of the submissions do not count toward it. Last evaluated 2026-04-01.

Conditions:
NDUFA6-related disorder. Also called: NDUFA6-related condition.
Mitochondrial disease. Also called: Mitochondrial disorder; Mitochondrial disorders. Identifiers: Orphanet 68380, MedGen C0751651, MeSH D028361, MONDO:0044970.
Fetal anomalies with a likely genetic cause.
Mitochondrial complex I deficiency, nuclear type 33. Also called: Mitochondrial complex 1 deficiency, nuclear type 33. Identifiers: MedGen C4748840, MONDO:0032636, OMIM 618253.
Inborn genetic diseases. Identifiers: MedGen C0950123, MeSH D030342.

Submissions (5):

Genetics Laboratory, Great Ormond Street Hospital NHS Foundation Trust, North Thames Genomic Laboratory Hub
Classification: Likely pathogenic for Fetal anomalies with a likely genetic cause. Last evaluated: 2026-04-01. Review status: criteria provided, single submitter. Criteria: ACGS Best Practice Guidelines for Variant Classification in Rare Disease 2024 v1.2. Collection method: clinical testing. Allele origin: germline. Affected: yes.
Comment: PM2_moderate, PM4_moderate, PM3_moderate

Ambry Genetics
Classification: Likely pathogenic for Inborn genetic diseases. Last evaluated: 2022-01-20. Review status: criteria provided, single submitter. Criteria: Ambry Variant Classification Scheme 2023. Collection method: clinical testing. Allele origin: germline.
Comment: The c.387delT (p.M130Cfs*35) alteration, located in exon 3 (coding exon 3) of the NDUFA6 gene, consists of a deletion of one nucleotide at position 387, causing a translational frameshift with a predicted alternate stop codon after 35 amino acids. This alteration occurs at the 3' terminus of the NDUFA6 gene, is not expected to trigger nonsense-mediated mRNA decay, and impacts the last 15% of the protein. Premature stop codons are typically deleterious in nature and a significant portion of the protein is affected (Ambry internal data). Based on data from gnomAD, the c.387delT allele has an overall frequency of 0.01% (16/282896) total alleles studied. The highest observed frequency was 0.01% (16/129192) of European (non-Finnish) alleles. This variant, designated as 309del was confirmed in trans with a second NDUFA6 frameshift variant in an infant presenting with unusual movements suggestive of seizure disorder, elevated blood gas lactate, abnormal brain MRI with white matter changes, and deterioration as a result of status epilepticus, apnea episodes, and persistent lactic acidosis (Alston, 2018). Based on the available evidence, this alteration is classified as likely pathogenic.

PreventionGenetics, part of Exact Sciences
Classification: Pathogenic for NDUFA6-related condition. Last evaluated: 2024-09-17. Review status: no assertion criteria provided. Collection method: clinical testing. Allele origin: germline. Not counted in ClinVar's aggregate classification.
Comment: The NDUFA6 c.387delT variant is predicted to result in a frameshift and premature protein termination (p.Met130Cysfs*35). This variant , also designated c.309del (p.Met104Cysfs*35) in an alternate transcript, has been reported in compound heterozygous states individuals with mitochondrial complex I deficiency (Alston et al. 2018. PubMed ID: 30245030; Table S3, French et al. 2022. PubMed ID: 35586607). This variant is reported in 0.012% of alleles in individuals of European (Non-Finnish) descent in gnomAD. Frameshift variants in NDUFA6 are expected to be pathogenic. Given the evidence, we interpret this variant as pathogenic.

OMIM
Classification: Pathogenic for MITOCHONDRIAL COMPLEX I DEFICIENCY, NUCLEAR TYPE 33. Last evaluated: 2018-12-13. Review status: no assertion criteria provided. Collection method: literature only. Allele origin: germline. Not counted in ClinVar's aggregate classification.

Mitochondrial Research Group, Newcastle University
Classification: Pathogenic for Mitochondrial disease. Last evaluated: 2018-07-19. Review status: no assertion criteria provided. Collection method: clinical testing. Allele origin: germline. Affected: yes. Observed: 1 variant allele. Not counted in ClinVar's aggregate classification.

Literature cited by the submitters: PubMed 30245030 (cited by Ambry Genetics and OMIM); PubMed 30847515 (cited by Ambry Genetics).